The following is an entry in ClinVar:

ClinVar aggregate classification (germline): Uncertain significance (1 of 4 stars; one submission).

gnomAD v4.1: 1 of 1,607,554 alleles (0.000062%); highest among the groups gnomAD compares: Non-Finnish European, 0.000085%; no homozygotes.

Submission:

Labcorp Genetics (formerly Invitae), Labcorp
Classification: Uncertain significance. Last evaluated: 2025-07-13. Review status: criteria provided, single submitter. Criteria: Invitae Variant Classification Sherloc (09022015). Collection method: clinical testing. Allele origin: germline.
Comment: This sequence change replaces lysine, which is basic and polar, with glutamic acid, which is acidic and polar, at codon 846 of the AP3D1 protein (p.Lys846Glu). This variant is not present in population databases (gnomAD no frequency). This variant has not been reported in the literature in individuals affected with AP3D1-related conditions. An algorithm developed to predict the effect of missense changes on protein structure and function (PolyPhen-2) suggests that this variant is likely to be disruptive. In summary, the available evidence is currently insufficient to determine the role of this variant in disease. Therefore, it has been classified as a Variant of Uncertain Significance.

NM_001261826.3(AP3D1):c.2536A>G (p.Lys846Glu)

Gene: AP3D1 (adaptor related protein complex 3 subunit delta 1; minus strand). Cytogenetic location: 19p13.3.
Variant type: single nucleotide variant.
Coding change: c.2536A>G on transcript NM_001261826.3 (MANE Select); coding-DNA position 2536, A replaced by G.
Protein change: p.Lys846Glu; replaces lysine 846 with glutamic acid.
Molecular consequence: missense variant.
Genome position (GRCh38, 1-based): chr19:2,114,190, T>C on the plus strand (A>G on the coding strand, the complement: AP3D1 is on the minus strand). VCF-style: chr19-2114190-T-C. GRCh37 (hg19) VCF-style: chr19-2114189-T-C.
Other names: c.2536A>G, p.Lys846Glu (NM_001374799.1, NM_003938.8); short protein forms K846E.
Identifiers: ClinVar variation 4775872 (VCV004775872.1).